The following is an entry in ClinVar:

ClinVar aggregate classification (germline): Uncertain significance (1 of 4 stars; one submission).

Conditions:
Kabuki syndrome. Also called: Kabuki make-up syndrome; NIIKAWA-KUROKI SYNDROME. Identifiers: Orphanet 2322, MedGen C0796004, MONDO:0016512.

gnomAD v4.1: 3 of 1,612,284 alleles (0.00019%); highest among the groups gnomAD compares: South Asian, 0.0022%; no homozygotes.

Submission:

Labcorp Genetics (formerly Invitae), Labcorp
Classification: Uncertain significance for Kabuki syndrome. Last evaluated: 2024-11-24. Review status: criteria provided, single submitter. Criteria: Invitae Variant Classification Sherloc (09022015). Collection method: clinical testing. Allele origin: germline.
Comment: This sequence change replaces alanine, which is neutral and non-polar, with threonine, which is neutral and polar, at codon 3344 of the KMT2D protein (p.Ala3344Thr). This variant is not present in population databases (gnomAD no frequency). This variant has not been reported in the literature in individuals affected with KMT2D-related conditions. Invitae Evidence Modeling of protein sequence and biophysical properties (such as structural, functional, and spatial information, amino acid conservation, physicochemical variation, residue mobility, and thermodynamic stability) indicates that this missense variant is not expected to disrupt KMT2D protein function with a negative predictive value of 95%. In summary, the available evidence is currently insufficient to determine the role of this variant in disease. Therefore, it has been classified as a Variant of Uncertain Significance.

NM_003482.4(KMT2D):c.10030G>A (p.Ala3344Thr)

Gene: KMT2D (lysine methyltransferase 2D; minus strand). Cytogenetic location: 12q13.12.
Variant type: single nucleotide variant.
Coding change: c.10030G>A on transcript NM_003482.4 (MANE Select); coding-DNA position 10030, G replaced by A.
Protein change: p.Ala3344Thr; replaces alanine 3344 with threonine.
Molecular consequence: missense variant.
Genome position (GRCh38, 1-based): chr12:49,037,326, C>T on the plus strand (G>A on the coding strand, the complement: KMT2D is on the minus strand). VCF-style: chr12-49037326-C-T. GRCh37 (hg19) VCF-style: chr12-49431109-C-T.
Other names: short protein forms A3344T.
Identifiers: ClinVar variation 3711455 (VCV003711455.2).
Genomic context (GRCh38, chr12:49,037,326, plus strand): 5'-GCCCTCCATGCTGCCCACTTAGCATATGCCCTTGATTGGACACCATAGCCATGGATGGAG[C>T]CAGGCGTTGCTGGAGGGCATGAGCTGGTGGCTGGGTGGGCATCAGTGGCTGGGGCAAACC-3'
Protein context (NP_003473.3, residues 3334-3354): PPAHALQQRL[Ala3344Thr]PSMAMVSNQG